The following is an entry in ClinVar:

GRCh37/hg19 19p13.12(chr19:14139111-14162382)x3

Genes: IL27RA (interleukin 27 receptor subunit alpha; plus strand), RLN3 (relaxin 3; plus strand). Cytogenetic location: 19p13.12.
Variant type: copy number gain.
Change: copy number 3 (three copies instead of two) of chr19:14,139,111-14,162,382 (23.3 kb, GRCh37 coordinates, 1-based), cytogenetic band 19p13.12.
Identifiers: ClinVar variation 393953 (VCV000393953.3).

ClinVar aggregate classification (germline): conflicting data from submitters (0 of 4 stars; one submission).

Submission:

ISCA Site 6
Classification: conflicting data from submitters. Review status: no assertion criteria provided. Collection method: clinical testing. Allele origin: unknown. Affected: yes. Observed: 2 variant alleles.
Comment: Uncertain significance(1), Likely benign (1)

Copy number variation identified through the course of routine clinical cytogenomic testing in postnatal populations, with clinical assertions as classified by the original submitter. For data from the original published study, Kaminsky, et al. 2011 (PubMed 21844811), please see nstd101.